The following is an entry in ClinVar:

NM_000206.3(IL2RG):c.184T>C (p.Cys62Arg)

Gene: IL2RG (interleukin 2 receptor subunit gamma; minus strand). Cytogenetic location: Xq13.1.
Variant type: single nucleotide variant.
Coding change: c.184T>C on transcript NM_000206.3 (MANE Select); coding-DNA position 184, T replaced by C.
Protein change: p.Cys62Arg; replaces cysteine 62 with arginine.
Molecular consequence: missense variant.
Genome position (GRCh38, 1-based): chrX:71,110,982, A>G on the plus strand (T>C on the coding strand, the complement: IL2RG is on the minus strand). VCF-style: chrX-71110982-A-G. GRCh37 (hg19) VCF-style: chrX-70330832-A-G.
Other names: NM_000206.3(IL2RG):c.184T>C; p.Cys62Arg; short protein forms C62R.
Identifiers: ClinVar variation 1066149 (VCV001066149.11), dbSNP rs1602289649, ClinGen allele CA413497163.

ClinVar aggregate classification (germline): Pathogenic. Review status: reviewed by expert panel (3 of 4 stars). 4 submissions from 4 submitters: Pathogenic (1). 3 of the submissions do not count toward it. Last evaluated 2024-06-12.

Conditions:
X-linked severe combined immunodeficiency (SCIDX1). Also called: X-Linked Combined Immunodeficiency Diseases; IMMUNODEFICIENCY 4; SCID, X-LINKED; SEVERE COMBINED IMMUNODEFICIENCY, X-LINKED, T CELL-NEGATIVE, B CELL-POSITIVE, NK CELL-NEGATIVE; T-B+ severe combined immunodeficiency due to gamma chain deficiency. Identifiers: Orphanet 276, MedGen C6022468, MONDO:0010315, OMIM 300400. Disease mechanism: loss of function.

Submissions (4):

ClinGen Severe Combined Immunodeficiency Variant Curation Expert Panel, ClinGen
Classification: Pathogenic for X-linked severe combined immunodeficiency. Last evaluated: 2024-06-12. Review status: reviewed by expert panel. Criteria: ClinGen SCID ACMG Specifications IL2RG V1.0.0. Collection method: curation. Allele origin: germline. Inheritance: X-linked inheritance.
Comment: NM_000206.3(IL2RG):c.184T>C is a missense variant predicted to cause substitution of Cysteine by Arginine at amino acid 62 (p.Cys62Arg). This mutation affects conserved cysteine residue i.e. Cys62 (PM1_strong). The variant is absent in gnomAD v4 (PM2_supporting). Another missense variant [NM_000206.3(IL2RG):c.186T>A (p.Cys62Ter)] in the same codon has been reported (classified as pathogenic by SCID VCEP) (PM5 met). The prevalence of the variant in affected individuals is significantly increased compared with the prevalence in controls (Invitae, PMID: 27484032) (PS4_supporting). In summary, this variant meets the criteria to be classified as a Pathogenic variant for X-linked severe combined immunodeficiency due to IL2RG deficiency based on the ACMG/AMP criteria applied, as specified by the ClinGen SCID VCEP: PM1_strong, PM2_supporting, PP4_Moderate,PM5 met,PS4_supporting (VCEP specifications version 1).

Women's Health and Genetics/Laboratory Corporation of America, LabCorp
Classification: Pathogenic for X-linked severe combined immunodeficiency. Last evaluated: 2025-07-11. Review status: criteria provided, single submitter. Criteria: LabCorp Variant Classification Summary - May 2015. Collection method: clinical testing. Allele origin: germline. Not counted in ClinVar's aggregate classification.
Comment: Variant summary: IL2RG c.184T>C (p.Cys62Arg) results in a non-conservative amino acid change in the encoded protein sequence. Algorithms developed to predict the effect of missense changes on protein structure and function all suggest that this variant is likely to be disruptive. The variant was absent in 173948 control chromosomes (gnomAD). c.184T>C has been observed in individuals affected with X-Linked Severe Combined Immunodeficiency (Yu_2016, Shah_2021, Melsen_2022). These data indicate that the variant is likely to be associated with disease. To our knowledge, no experimental evidence demonstrating an impact on protein function has been reported. The following publications have been ascertained in the context of this evaluation (PMID: 37168752, 27484032). ClinVar contains an entry for this variant (Variation ID: 1066149). Based on the evidence outlined above, the variant was classified as pathogenic.

Labcorp Genetics (formerly Invitae), Labcorp
Classification: Pathogenic for X-linked severe combined immunodeficiency. Last evaluated: 2022-06-13. Review status: criteria provided, single submitter. Criteria: Invitae Variant Classification Sherloc (09022015). Collection method: clinical testing. Allele origin: germline. Not counted in ClinVar's aggregate classification.
Comment: For these reasons, this variant has been classified as Pathogenic. This variant disrupts the p.Cys62 amino acid residue in IL2RG. Other variant(s) that disrupt this residue have been observed in individuals with IL2RG-related conditions (PMID: 8605324, 25843602), which suggests that this may be a clinically significant amino acid residue. Algorithms developed to predict the effect of sequence changes on RNA splicing suggest that this variant may create or strengthen a splice site. Advanced modeling of protein sequence and biophysical properties (such as structural, functional, and spatial information, amino acid conservation, physicochemical variation, residue mobility, and thermodynamic stability) performed at Invitae indicates that this missense variant is expected to disrupt IL2RG protein function. ClinVar contains an entry for this variant (Variation ID: 1066149). This missense change has been observed in individual(s) with clinical features of severe combined immunodeficiency (PMID: 27484032; Invitae). This variant is not present in population databases (gnomAD no frequency). This sequence change replaces cysteine, which is neutral and slightly polar, with arginine, which is basic and polar, at codon 62 of the IL2RG protein (p.Cys62Arg).

GeneDx
Classification: Uncertain significance. Last evaluated: 2021-06-30. Review status: criteria provided, single submitter. Criteria: GeneDx Variant Classification Process June 2021. Collection method: clinical testing. Allele origin: germline. Affected: yes. Not counted in ClinVar's aggregate classification.
Comment: Observed heterozygous in the mother of a patient with SCID; the proband was not evaluated in this study (Yu H et al., 2016); Not observed at significant frequency in large population cohorts (Lek et al., 2016); In silico analysis supports that this missense variant has a deleterious effect on protein structure/function; This variant is associated with the following publications: (PMID: 27535533, 27484032)

Literature cited by the submitters: PubMed 27484032 (cited by Women's Health and Genetics/Laboratory Corporation of America, LabCorp and Labcorp Genetics (formerly Invitae), Labcorp); PubMed 35527320 (cited by Women's Health and Genetics/Laboratory Corporation of America, LabCorp); PubMed 37168752 (cited by Women's Health and Genetics/Laboratory Corporation of America, LabCorp); PubMed 8605324 (cited by Labcorp Genetics (formerly Invitae), Labcorp); PubMed 25843602 (cited by Labcorp Genetics (formerly Invitae), Labcorp).